The following is an entry in ClinVar:

NM_004963.4(GUCY2C):c.905G>C (p.Gly302Ala)

Genes: GUCY2C (guanylate cyclase 2C; minus strand), GUCY2C-AS1 (GUCY2C antisense RNA 1; plus strand). Cytogenetic location: 12p12.3.
Variant type: single nucleotide variant.
Coding change: c.905G>C on transcript NM_004963.4 (MANE Select); coding-DNA position 905, G replaced by C.
Protein change: p.Gly302Ala; replaces glycine 302 with alanine.
Molecular consequence: missense variant.
Genome position (GRCh38, 1-based): chr12:14,676,897, C>G on the plus strand (G>C on the coding strand, the complement: GUCY2C is on the minus strand). VCF-style: chr12-14676897-C-G. GRCh37 (hg19) VCF-style: chr12-14829831-C-G.
Other names: short protein forms G302A.
Identifiers: ClinVar variation 2053936 (VCV002053936.4), dbSNP rs2497780036, ClinGen allele CA384003359.
Genomic context (GRCh38, chr12:14,676,897, plus strand): 5'-ATAAAATAATAGCTTACTGGTGATAGATTCCTGGAGAAAGAGCTATTTAGAAGGGAATTC[C>G]CAGGAGACAGCGTCAGAACAAGGACATTTTTCATATAGTCAGGGGCTGTGACATTGTCCT-3'
Protein context (NP_004954.2, residues 292-312): KNVLVLTLSP[Gly302Ala]NSLLNSSFSR

ClinVar aggregate classification (germline): Uncertain significance (1 of 4 stars; one submission).

Allele frequency attached by ClinVar (database versions not stated): gnomAD exomes below 0.00001.
gnomAD v4.1: 1 of 1,564,200 alleles (0.000064%); highest among the groups gnomAD compares: Non-Finnish European, 0.000087%; no homozygotes.

Submission:

Labcorp Genetics (formerly Invitae), Labcorp
Classification: Uncertain significance. Last evaluated: 2022-04-06. Review status: criteria provided, single submitter. Criteria: Invitae Variant Classification Sherloc (09022015). Collection method: clinical testing. Allele origin: germline.
Comment: In summary, the available evidence is currently insufficient to determine the role of this variant in disease. Therefore, it has been classified as a Variant of Uncertain Significance. Algorithms developed to predict the effect of missense changes on protein structure and function (SIFT, PolyPhen-2, Align-GVGD) all suggest that this variant is likely to be tolerated. This variant has not been reported in the literature in individuals affected with GUCY2C-related conditions. This variant is not present in population databases (gnomAD no frequency). This sequence change replaces glycine, which is neutral and non-polar, with alanine, which is neutral and non-polar, at codon 302 of the GUCY2C protein (p.Gly302Ala).